The following is an entry in ClinVar:

ClinVar aggregate classification (germline): Uncertain significance (1 of 4 stars; one submission).

Submission:

GeneDx
Classification: Uncertain significance. Last evaluated: 2022-05-19. Review status: criteria provided, single submitter. Criteria: GeneDx Variant Classification Process June 2021. Collection method: clinical testing. Allele origin: germline. Affected: yes.
Comment: Not observed at significant frequency in large population cohorts (gnomAD); In silico analysis supports a deleterious effect on splicing; In silico analysis supports that this missense variant has a deleterious effect on protein structure/function; Has not been previously published as pathogenic or benign to our knowledge

NM_004612.4(TGFBR1):c.973G>C (p.Gly325Arg)

Gene: TGFBR1 (transforming growth factor beta receptor 1; plus strand). Cytogenetic location: 9q22.33.
Variant type: single nucleotide variant.
Coding change: c.973G>C on transcript NM_004612.4 (MANE Select); coding-DNA position 973, G replaced by C.
Protein change: p.Gly325Arg; replaces glycine 325 with arginine.
Molecular consequence: missense variant.
Genome position (GRCh38, 1-based): chr9:99,142,703, G>C. VCF-style: chr9-99142703-G-C. GRCh37 (hg19) VCF-style: chr9-101904985-G-C.
Other names: c.742G>C, p.Gly248Arg (NM_001130916.3, NM_001407435.1); c.985G>C, p.Gly329Arg (NM_001306210.2); c.778G>C, p.Gly260Arg (NM_001407418.1, NM_001407419.1, NM_001407420.1 and 1 more transcripts); c.766G>C, p.Gly256Arg (NM_001407423.1, NM_001407424.1, NM_001407425.1 and 8 more transcripts); c.727G>C, p.Gly243Arg (NM_001407436.1); c.265G>C, p.Gly89Arg (NM_001407437.1); c.496G>C, p.Gly166Arg (NM_001407438.1); short protein forms G166R, G243R, G248R, G256R, G260R, G325R, G329R, G89R.
Identifiers: ClinVar variation 1800508 (VCV001800508.1), dbSNP rs2490225292, ClinGen allele CA374230858.
Genomic context (GRCh38, chr9:99,142,703, plus strand): 5'-CTTGCTCTGTCCACGGCGAGCGGTCTTGCCCATCTTCACATGGAGATTGTTGGTACCCAA[G>C]GTAATTCTATAAGCAGTTCTATTATTTAAGCTTTAAATTTTCATGAATAATGTCTATGAA-3'
Protein context (NP_004603.1, residues 315-335): HLHMEIVGTQ[Gly325Arg]KPAIAHRDLK